The following is an entry in ClinVar:

ClinVar aggregate classification (germline): Uncertain significance (1 of 4 stars; one submission).

Conditions:
Rhabdoid tumor predisposition syndrome 2 (RTPS2). Identifiers: Orphanet 231108, Orphanet 69077, MedGen C2750074, MONDO:0013224, OMIM 613325.

Submission:

Labcorp Genetics (formerly Invitae), Labcorp
Classification: Uncertain significance for Rhabdoid tumor predisposition syndrome 2. Last evaluated: 2024-02-17. Review status: criteria provided, single submitter. Criteria: Invitae Variant Classification Sherloc (09022015). Collection method: clinical testing. Allele origin: germline.
Comment: This sequence change replaces phenylalanine, which is neutral and non-polar, with leucine, which is neutral and non-polar, at codon 1121 of the SMARCA4 protein (p.Phe1121Leu). This variant is not present in population databases (gnomAD no frequency). This variant has not been reported in the literature in individuals affected with SMARCA4-related conditions. Advanced modeling of protein sequence and biophysical properties (such as structural, functional, and spatial information, amino acid conservation, physicochemical variation, residue mobility, and thermodynamic stability) has been performed at Invitae for this missense variant, however the output from this modeling did not meet the statistical confidence thresholds required to predict the impact of this variant on SMARCA4 protein function. In summary, the available evidence is currently insufficient to determine the role of this variant in disease. Therefore, it has been classified as a Variant of Uncertain Significance.

NM_003072.5(SMARCA4):c.3361T>C (p.Phe1121Leu)

Gene: SMARCA4 (SWI/SNF related BAF chromatin remodeling complex subunit ATPase 4; plus strand). Cytogenetic location: 19p13.2.
Variant type: single nucleotide variant.
Coding change: c.3361T>C on transcript NM_003072.5 (MANE Select); coding-DNA position 3361, T replaced by C.
Protein change: p.Phe1121Leu; replaces phenylalanine 1121 with leucine.
Molecular consequence: missense variant. On other transcripts: non-coding transcript variant (1).
Genome position (GRCh38, 1-based): chr19:11,027,929, T>C. VCF-style: chr19-11027929-T-C. GRCh37 (hg19) VCF-style: chr19-11138605-T-C.
Other names: c.3361T>C, p.Phe1121Leu (NM_001128844.3, NM_001128845.2, NM_001128846.2 and 6 more transcripts); short protein forms F1121L.
Identifiers: ClinVar variation 3636876 (VCV003636876.2).